The following is an entry in ClinVar:

NM_201550.4(LRRC10):c.631C>G (p.Leu211Val)

Gene: LRRC10 (leucine rich repeat containing 10; minus strand). Cytogenetic location: 12q15.
Variant type: single nucleotide variant.
Coding change: c.631C>G on transcript NM_201550.4 (MANE Select); coding-DNA position 631, C replaced by G.
Protein change: p.Leu211Val; replaces leucine 211 with valine.
Molecular consequence: missense variant.
Genome position (GRCh38, 1-based): chr12:69,610,208, G>C on the plus strand (C>G on the coding strand, the complement: LRRC10 is on the minus strand). VCF-style: chr12-69610208-G-C. GRCh37 (hg19) VCF-style: chr12-70003988-G-C.
Other names: short protein forms L211V.
Identifiers: ClinVar variation 1903633 (VCV001903633.5), dbSNP rs1412985237, ClinGen allele CA385735796.

ClinVar aggregate classification (germline): Uncertain significance (1 of 4 stars; one submission).

Allele frequency attached by ClinVar (database versions not stated): gnomAD 0.00001.

Submission:

Labcorp Genetics (formerly Invitae), Labcorp
Classification: Uncertain significance. Last evaluated: 2022-06-08. Review status: criteria provided, single submitter. Criteria: Invitae Variant Classification Sherloc (09022015). Collection method: clinical testing. Allele origin: germline.
Comment: In summary, the available evidence is currently insufficient to determine the role of this variant in disease. Therefore, it has been classified as a Variant of Uncertain Significance. Algorithms developed to predict the effect of missense changes on protein structure and function are either unavailable or do not agree on the potential impact of this missense change (SIFT: "Tolerated"; PolyPhen-2: "Possibly Damaging"; Align-GVGD: "Class C0"). This variant has not been reported in the literature in individuals affected with LRRC10-related conditions. This variant is not present in population databases (gnomAD no frequency). This sequence change replaces leucine, which is neutral and non-polar, with valine, which is neutral and non-polar, at codon 211 of the LRRC10 protein (p.Leu211Val).